The following is an entry in ClinVar:

NM_052867.4(NALCN):c.1195A>G (p.Ile399Val)

Genes: NALCN (sodium leak channel, non-selective; minus strand), LOC126861831 (P300/CBP strongly-dependent group 1 enhancer GRCh37_chr13:101909917-101911116; plus strand). Cytogenetic location: 13q33.1.
Variant type: single nucleotide variant.
Coding change: c.1195A>G on transcript NM_052867.4 (MANE Select); coding-DNA position 1195, A replaced by G.
Protein change: p.Ile399Val; replaces isoleucine 399 with valine.
Molecular consequence: missense variant.
Genome position (GRCh38, 1-based): chr13:101,258,514, T>C on the plus strand (A>G on the coding strand, the complement: NALCN is on the minus strand). VCF-style: chr13-101258514-T-C. GRCh37 (hg19) VCF-style: chr13-101910865-T-C.
Other names: c.1195A>G, p.Ile399Val (NM_001350748.2, NM_001350749.2); c.1108A>G, p.Ile370Val (NM_001350750.2, NM_001350751.2); short protein forms I370V, I399V.
Identifiers: ClinVar variation 1312315 (VCV001312315.2), dbSNP rs1250155071, ClinGen allele CA388703846.

ClinVar aggregate classification (germline): Uncertain significance (1 of 4 stars; one submission).

Submission:

GeneDx
Classification: Uncertain significance. Last evaluated: 2019-09-18. Review status: criteria provided, single submitter. Criteria: GeneDx Variant Classification Process June 2021. Collection method: clinical testing. Allele origin: germline. Affected: yes.
Comment: Not observed in large population cohorts (Lek et al., 2016); In silico analysis, which includes protein predictors and evolutionary conservation, supports that this variant does not alter protein structure/function; Has not been previously published as pathogenic or benign to our knowledge